The following is an entry in ClinVar:

NM_000059.4(BRCA2):c.623T>G (p.Val208Gly)

Gene: BRCA2 (BRCA2 DNA repair associated; plus strand). Cytogenetic location: 13q13.1.
Variant type: single nucleotide variant.
Coding change: c.623T>G on transcript NM_000059.4 (MANE Select); coding-DNA position 623, T replaced by G.
Protein change: p.Val208Gly; replaces valine 208 with glycine.
Molecular consequence: missense variant.
Genome position (GRCh38, 1-based): chr13:32,326,605, T>G. VCF-style: chr13-32326605-T-G. GRCh37 (hg19) VCF-style: chr13-32900742-T-G.
Other names: short protein forms V208G.
Identifiers: ClinVar variation 52040 (VCV000052040.27), dbSNP rs80358865, ClinGen allele CA023784.

ClinVar aggregate classification (germline): Conflicting classifications of pathogenicity. Review status: criteria provided, conflicting classifications (1 of 4 stars). 8 submissions from 8 submitters: Uncertain significance (2); Likely benign (4). 2 of the submissions do not count toward it. Last evaluated 2026-01-28.

Conditions:
Hereditary breast ovarian cancer syndrome. Also called: Hereditary breast and ovarian cancer syndrome; Hereditary breast and ovarian cancer; Hereditary breast and ovarian cancer syndrome (HBOC); Breast and ovarian cancer; Hereditary breast and/or ovarian cancer syndrome; BRCA1- and BRCA2-Associated Hereditary Breast and Ovarian Cancer. Identifiers: Orphanet 145, MedGen C0677776, MeSH D061325, MONDO:0003582. Disease mechanism: loss of function.
Hereditary cancer-predisposing syndrome. Also called: Neoplastic Syndromes, Hereditary; Tumor predisposition; Hereditary neoplastic syndrome; Hereditary Cancer Syndrome. Identifiers: Orphanet 140162, MedGen C0027672, MeSH D009386, MONDO:0015356.
Breast-ovarian cancer, familial, susceptibility to, 2 (BROVCA2). Also called: BRCA2 Hereditary Breast and Ovarian Cancer. Identifiers: Orphanet 145, MedGen C2675520, MONDO:0012933, OMIM 612555. Disease mechanism: loss of function.

Allele frequency attached by ClinVar (database versions not stated): gnomAD 0.00001; gnomAD exomes 0.00004; ExAC 0.00006.

Submissions (8):

Labcorp Genetics (formerly Invitae), Labcorp
Classification: Likely benign for Hereditary breast ovarian cancer syndrome. Last evaluated: 2026-01-28. Review status: criteria provided, single submitter. Criteria: Invitae Variant Classification Sherloc (09022015). Collection method: clinical testing. Allele origin: germline.

Color Diagnostics, LLC DBA Color Health
Classification: Likely benign for Hereditary cancer-predisposing syndrome. Last evaluated: 2022-11-03. Review status: criteria provided, single submitter. Criteria: ACMG Guidelines, 2015. Collection method: clinical testing. Allele origin: germline.

Quest Diagnostics Nichols Institute San Juan Capistrano
Classification: Uncertain significance. Last evaluated: 2022-08-06. Review status: criteria provided, single submitter. Criteria: Quest Diagnostics criteria. Collection method: clinical testing. Allele origin: unknown.
Comment: The frequency of this variant in the general population, 0.00049 (9/18390 chromosomes in East Asian subpopulation), is higher than would generally be expected for pathogenic variants in this gene. In the published literature, the variant has been reported in individuals with breast cancer (PMID: 24249303 (2015), 27124784 (2016)). It was identified in large screening studies (PMID: 29176636 (2018), 32467295 (2020)), as well as in large breast cancer association studies in both cases and controls (PMID: 30287823 (2018), 33471991 (2021)). It was also analyzed as likely neutral in a multifactorial analysis (PMID: 27124784 (2016)). Analysis of this variant using bioinformatics tools for the prediction of the effect of amino acid changes on protein structure and function yielded conflicting predictions that this variant is benign or damaging. Based on the available information, we are unable to determine the clinical significance of this variant.

Women's Health and Genetics/Laboratory Corporation of America, LabCorp
Classification: Likely benign. Last evaluated: 2022-06-13. Review status: criteria provided, single submitter. Criteria: LabCorp Variant Classification Summary - May 2015. Collection method: clinical testing. Allele origin: germline.
Comment: Variant summary: BRCA2 c.623T>G (p.Val208Gly) results in a non-conservative amino acid change in the encoded protein sequence. Four of five in-silico tools predict a damaging effect of the variant on protein function. The variant allele was found at a frequency of 3.6e-05 in 250830 control chromosomes, predominantly at a frequency of 0.00049 within the East Asian subpopulation in the gnomAD database. The available data on variant occurrences in the general population are insufficient to allow any conclusion about variant significance. c.623T>G has been reported in the literature in individuals of East Asian ethnicities affected with and/or undergoing genetic testing for Breast And Ovarian Cancer (example, Nakamura_2013, Arai_2018, Kim_2017, Takeuchi_2018, Momozawa_2018). These report(s) do not provide unequivocal conclusions about association of the variant with Hereditary Breast And Ovarian Cancer Syndrome. At least one publication reports experimental evidence evaluating an impact on protein function (example, Ikegami_2020). These results showed no damaging effect of this variant on homology directed repair (HDR) based on lack of sensitivity to platinum-based chemotherapies and poly (ADP-Ribose) polyperase inhibitors. HDR assays qualify as a recognized gold standard on the basis of updated guidance provided by the ClinGen Sequence Variant Interpretation (SVI) working group. This working group has recommended strong functional evidence (ACMG BS3) as sufficient weightage for categorization as likely benign (Richardson_2021 citing Tavtigian_2018). Six clinical diagnostic laboratories have submitted clinical-significance assessments for this variant to ClinVar after 2014 without evidence for independent evaluation. Based on the evidence outlined above, the variant was classified as likely benign.

GeneDx
Classification: Uncertain significance. Last evaluated: 2021-10-13. Review status: criteria provided, single submitter. Criteria: GeneDx Variant Classification Process June 2021. Collection method: clinical testing. Allele origin: germline. Affected: yes.
Comment: Observed in individuals with breast and other cancers (Nakamura 2015, Park 2016, Momozawa 2018, Takeuchi 2018, Kim 2021); In silico analysis supports that this missense variant does not alter protein structure/function; Also known as 851T>G; This variant is associated with the following publications: (PMID: 24249303, 23704879, 23983145, 27124784, 26761715, 26913838, 29338689, 30415210, 30287823, 29802286, 29176636, 32908793, 33078592, 33875706)

Ambry Genetics
Classification: Likely benign for Hereditary cancer-predisposing syndrome. Last evaluated: 2021-08-03. Review status: criteria provided, single submitter. Criteria: Ambry Variant Classification Scheme 2023. Collection method: clinical testing. Allele origin: germline.

Counsyl
Classification: Uncertain significance for Breast-ovarian cancer, familial, susceptibility to, 2. Last evaluated: 2017-04-10. Review status: no assertion criteria provided. Collection method: clinical testing. Allele origin: unknown. Not counted in ClinVar's aggregate classification.

Breast Cancer Information Core (BIC) (BRCA2)
Classification: Uncertain significance for Breast-ovarian cancer, familial 2. Last evaluated: 2003-12-23. Review status: no assertion criteria provided. Collection method: clinical testing. Allele origin: germline. Affected: yes. Observed: 1 variant allele. Not counted in ClinVar's aggregate classification.

Literature cited by the submitters: PubMed 23983145 (cited by 3 submitters); PubMed 24249303 (cited by 4 submitters); PubMed 29176636 (cited by 3 submitters); PubMed 27124784 (cited by Quest Diagnostics Nichols Institute San Juan Capistrano and Counsyl); PubMed 30287823 (cited by 3 submitters); PubMed 33471991 (cited by Quest Diagnostics Nichols Institute San Juan Capistrano); PubMed 32467295 (cited by Quest Diagnostics Nichols Institute San Juan Capistrano); PubMed 23704879 (cited by Women's Health and Genetics/Laboratory Corporation of America, LabCorp); PubMed 26761715 (cited by Women's Health and Genetics/Laboratory Corporation of America, LabCorp); PubMed 28351343 (cited by Women's Health and Genetics/Laboratory Corporation of America, LabCorp); PubMed 29802286 (cited by Women's Health and Genetics/Laboratory Corporation of America, LabCorp); PubMed 32444794 (cited by Women's Health and Genetics/Laboratory Corporation of America, LabCorp); PubMed 33875706 (cited by Ambry Genetics).